The following is an entry in ClinVar:

ClinVar aggregate classification (germline): Benign/Likely benign. Review status: criteria provided, multiple submitters, no conflicts (2 of 4 stars). 10 submissions from 7 submitters: Benign (7); Likely benign (3). Last evaluated 2026-02-03.

Conditions:
Congenital myopathy 18. Also called: Myopathy, congenital, due to dihydropyridine receptor defect; DIHYDROPYRIDINE RECEPTOR CONGENITAL MYOPATHY; DHPR CONGENITAL MYOPATHY. Identifiers: MedGen C5830283, MONDO:0859514, OMIM 620246.
Thyrotoxic periodic paralysis, susceptibility to, 1 (TTPP1). Identifiers: Orphanet 79102, MedGen C2749982, MONDO:0008570, OMIM 188580.
Hypokalemic periodic paralysis, type 1. Also called: HypoPP; Hypokalemic Periodic Paralysis Type 1 (AD). Identifiers: Orphanet 681, MedGen C3714580, MONDO:0042979, OMIM 170400.
Malignant hyperthermia, susceptibility to, 5 (MHS5). Also called: CACNA1S-Related Malignant Hyperthermia Susceptibility. Identifiers: Orphanet 423, MedGen C1866077, MONDO:0011163, OMIM 601887.

Allele frequency attached by ClinVar (database versions not stated): gnomAD 0.00008 and 0.00012; gnomAD exomes 0.00014 and 0.00035; 1000 Genomes Project 0.00020; TOPMed 0.00022; 1000 Genomes Project 30x 0.00031; ExAC 0.00032.
gnomAD v4.1: 221 of 1,614,092 alleles (0.014%); highest among the groups gnomAD compares: East Asian, 0.45%; 3 homozygotes.

Submissions (10):

Labcorp Genetics (formerly Invitae), Labcorp
Classification: Benign for Hypokalemic periodic paralysis, type 1; Malignant hyperthermia, susceptibility to, 5. Last evaluated: 2026-02-03. Review status: criteria provided, single submitter. Criteria: Invitae Variant Classification Sherloc (09022015). Collection method: clinical testing. Allele origin: germline.

CeGaT Center for Human Genetics Tuebingen
Classification: Likely benign. Last evaluated: 2025-01-01. Review status: criteria provided, single submitter. Criteria: CeGaT Center For Human Genetics Tuebingen Variant Classification Criteria Version 2. Collection method: clinical testing. Allele origin: germline. Affected: yes. Observed: 3 variant alleles.
Comment: CACNA1S: BP4, BP7

All of Us Research Program, National Institutes of Health
Classification: Benign for Malignant hyperthermia, susceptibility to, 5. Last evaluated: 2024-02-05. Review status: criteria provided, single submitter. Criteria: ACMG Guidelines, 2015. Collection method: clinical testing. Allele origin: germline. Inheritance: Autosomal dominant inheritance. Observed: 17 variant alleles, 17 heterozygotes.
Comment: This study involves interpretation of variants in research participants for the purpose of population health screening. Participant phenotype was not available at the time of variant classification. Additional details can be found in publication PMID: 35346344, PMCID: PMC8962531

Blueprint Genetics
Classification: Likely benign. Last evaluated: 2023-09-27. Review status: criteria provided, single submitter. Criteria: ACMG Guidelines, 2015. Collection method: clinical testing. Allele origin: germline.

Genome-Nilou Lab
Classification: Benign for Malignant hyperthermia, susceptibility to, 5. Last evaluated: 2023-04-11. Review status: criteria provided, single submitter. Criteria: ACMG Guidelines, 2015. Collection method: clinical testing. Allele origin: germline. Affected: no.

Genome-Nilou Lab
Classification: Benign for Thyrotoxic periodic paralysis, susceptibility to, 1. Last evaluated: 2023-04-11. Review status: criteria provided, single submitter. Criteria: ACMG Guidelines, 2015. Collection method: clinical testing. Allele origin: germline. Affected: no.

Genome-Nilou Lab
Classification: Benign for Congenital myopathy 18. Last evaluated: 2023-04-11. Review status: criteria provided, single submitter. Criteria: ACMG Guidelines, 2015. Collection method: clinical testing. Allele origin: germline. Affected: no.

Genome-Nilou Lab
Classification: Benign for Hypokalemic periodic paralysis, type 1. Last evaluated: 2023-04-11. Review status: criteria provided, single submitter. Criteria: ACMG Guidelines, 2015. Collection method: clinical testing. Allele origin: germline. Affected: no.

Color Diagnostics, LLC DBA Color Health
Classification: Benign for Malignant hyperthermia, susceptibility to, 5. Last evaluated: 2022-10-20. Review status: criteria provided, single submitter. Criteria: ACMG Guidelines, 2015. Collection method: clinical testing. Allele origin: germline.

Fulgent Genetics
Classification: Likely benign for Hypokalemic periodic paralysis, type 1; Thyrotoxic periodic paralysis, susceptibility to, 1; Malignant hyperthermia, susceptibility to, 5. Last evaluated: 2021-12-05. Review status: criteria provided, single submitter. Criteria: ACMG Guidelines, 2015. Collection method: clinical testing. Allele origin: unknown.

NM_000069.3(CACNA1S):c.2628G>T (p.Val876=)

Gene: CACNA1S (calcium voltage-gated channel subunit alpha1 S; minus strand). Cytogenetic location: 1q32.1.
Variant type: single nucleotide variant.
Coding change: c.2628G>T on transcript NM_000069.3 (MANE Select); coding-DNA position 2628, G replaced by T.
Protein change: p.Val876=; no amino-acid change (valine 876 retained).
Molecular consequence: synonymous variant.
Genome position (GRCh38, 1-based): chr1:201,066,916, C>A on the plus strand (G>T on the coding strand, the complement: CACNA1S is on the minus strand). VCF-style: chr1-201066916-C-A. GRCh37 (hg19) VCF-style: chr1-201036044-C-A.
Identifiers: ClinVar variation 541061 (VCV000541061.48), dbSNP rs200898535, ClinGen allele CA079141.